The following is an entry in ClinVar:

ClinVar aggregate classification (germline): Uncertain significance (1 of 4 stars; one submission).

Conditions:
Inborn genetic diseases. Identifiers: MedGen C0950123, MeSH D030342.

Submission:

Ambry Genetics
Classification: Uncertain significance for Inborn genetic diseases. Last evaluated: 2025-02-03. Review status: criteria provided, single submitter. Criteria: Ambry Variant Classification Scheme 2023. Collection method: clinical testing. Allele origin: germline.
Comment: The p.P269A variant (also known as c.805C>G), located in coding exon 9 of the RTEL1 gene, results from a C to G substitution at nucleotide position 805. The proline at codon 269 is replaced by alanine, an amino acid with highly similar properties. This amino acid position is conserved. In addition, this alteration is predicted to be tolerated by in silico analysis. Based on the available evidence, the clinical significance of this variant remains unclear.

NM_001283009.2(RTEL1):c.805C>G (p.Pro269Ala)

Genes: RTEL1 (regulator of telomere elongation helicase 1; plus strand), RTEL1-TNFRSF6B (RTEL1-TNFRSF6B readthrough (NMD candidate); plus strand). Cytogenetic location: 20q13.33.
Variant type: single nucleotide variant.
Coding change: c.805C>G on transcript NM_001283009.2 (MANE Select); coding-DNA position 805, C replaced by G.
Protein change: p.Pro269Ala; replaces proline 269 with alanine.
Molecular consequence: missense variant. On other transcripts: non-coding transcript variant (1).
Genome position (GRCh38, 1-based): chr20:63,673,979, C>G. VCF-style: chr20-63673979-C-G. GRCh37 (hg19) VCF-style: chr20-62305332-C-G.
Other names: c.136C>G, p.Pro46Ala (NM_001283010.1); c.805C>G, p.Pro269Ala (NM_016434.4); c.877C>G, p.Pro293Ala (NM_032957.5); short protein forms P269A, P293A, P46A.
Identifiers: ClinVar variation 3791118 (VCV003791118.1).
Genomic context (GRCh38, chr20:63,673,979, plus strand): 5'-TCGGGTGTGCTTGGGCTCTAGGAGAAGATGTGTGAAGAATCGGCATCCTTTGACCTGACT[C>G]CCCATGACCTGGCTTCAGGACTGGACGTCATAGACCAGGTGCTGGAGGAGCAGACCAAGG-3'
Protein context (NP_001269938.1, residues 259-279): CEESASFDLT[Pro269Ala]HDLASGLDVI